The following is an entry in ClinVar:

ClinVar aggregate classification (germline): Uncertain significance. Review status: criteria provided, multiple submitters, no conflicts (2 of 4 stars). 4 submissions from 4 submitters: Uncertain significance (4). Last evaluated 2025-07-11.

Conditions:
DICER1-related tumor predisposition. Also called: DICER1-related pleuropulmonary blastoma cancer predisposition syndrome; DICER1 syndrome. Identifiers: Orphanet 284343, MedGen C3839822, MONDO:0100216.
Hereditary cancer-predisposing syndrome. Also called: Tumor predisposition; Neoplastic Syndromes, Hereditary; Hereditary Cancer Syndrome; Hereditary neoplastic syndrome. Identifiers: Orphanet 140162, MedGen C0027672, MeSH D009386, MONDO:0015356.
Pleuropulmonary blastoma (PPB). Identifiers: Orphanet 64742, MedGen C1266144, MONDO:0011014, OMIM 601200, HP:0100528.

gnomAD v4.1: 1 of 1,614,154 alleles (0.000062%); highest among the groups gnomAD compares: Admixed American, 0.0017%; no homozygotes.

Submissions (4):

Quest Diagnostics Nichols Institute San Juan Capistrano
Classification: Uncertain significance. Last evaluated: 2025-07-11. Review status: criteria provided, single submitter. Criteria: Quest Diagnostics criteria. Collection method: clinical testing. Allele origin: unknown.
Comment: The DICER1 c.2154G>C (p.Glu718Asp) variant has not been reported in individuals with DICER1-related conditions in the published literature. It also has not been reported in large, multi-ethnic general populations (Genome Aggregation Database). Analysis of this variant using bioinformatics tools for the prediction of the effect of amino acid changes on protein structure and function yielded predictions that this variant is damaging. Based on the available information, we are unable to determine the clinical significance of this variant.

Labcorp Genetics (formerly Invitae), Labcorp
Classification: Uncertain significance for DICER1-related tumor predisposition. Last evaluated: 2024-11-27. Review status: criteria provided, single submitter. Criteria: Invitae Variant Classification Sherloc (09022015). Collection method: clinical testing. Allele origin: germline.
Comment: This sequence change replaces glutamic acid, which is acidic and polar, with aspartic acid, which is acidic and polar, at codon 718 of the DICER1 protein (p.Glu718Asp). This variant is not present in population databases (gnomAD no frequency). This variant has not been reported in the literature in individuals affected with DICER1-related conditions. ClinVar contains an entry for this variant (Variation ID: 477090). Invitae Evidence Modeling of protein sequence and biophysical properties (such as structural, functional, and spatial information, amino acid conservation, physicochemical variation, residue mobility, and thermodynamic stability) indicates that this missense variant is not expected to disrupt DICER1 protein function with a negative predictive value of 95%. In summary, the available evidence is currently insufficient to determine the role of this variant in disease. Therefore, it has been classified as a Variant of Uncertain Significance.

Ambry Genetics
Classification: Uncertain significance for Hereditary cancer-predisposing syndrome. Last evaluated: 2023-04-17. Review status: criteria provided, single submitter. Criteria: Ambry Variant Classification Scheme 2023. Collection method: clinical testing. Allele origin: germline.
Comment: The p.E718D variant (also known as c.2154G>C), located in coding exon 13 of the DICER1 gene, results from a G to C substitution at nucleotide position 2154. The glutamic acid at codon 718 is replaced by aspartic acid, an amino acid with highly similar properties. This amino acid position is highly conserved in available vertebrate species. In addition, the in silico prediction for this alteration is inconclusive. Since supporting evidence is limited at this time, the clinical significance of this alteration remains unclear.

St. Jude Molecular Pathology, St. Jude Children's Research Hospital
Classification: Uncertain significance for Pleuropulmonary blastoma. Last evaluated: 2022-08-10. Review status: criteria provided, single submitter. Criteria: St. Jude Assertion Criteria 2020. Collection method: clinical testing. Allele origin: germline.
Comment: The DICER1 c.2154G>C (p.Glu718Asp) missense change is absent in gnomAD v2.1.1. The in silico tool REVEL predicts a benign effect on protein function, but to our knowledge this prediction has not been confirmed by functional studies. To our knowledge, this variant has not been reported in individuals with DICER1 syndrome. In summary, the evidence currently available is insufficient to determine the clinical significance of this variant. It has therefore been classified as of uncertain significance.

NM_177438.3(DICER1):c.2154G>C (p.Glu718Asp)

Gene: DICER1 (dicer 1, ribonuclease III; minus strand). Cytogenetic location: 14q32.13.
Variant type: single nucleotide variant.
Coding change: c.2154G>C on transcript NM_177438.3 (MANE Select); coding-DNA position 2154, G replaced by C.
Protein change: p.Glu718Asp; replaces glutamic acid 718 with aspartic acid.
Molecular consequence: missense variant.
Genome position (GRCh38, 1-based): chr14:95,111,419, C>G on the plus strand (G>C on the coding strand, the complement: DICER1 is on the minus strand). VCF-style: chr14-95111419-C-G. GRCh37 (hg19) VCF-style: chr14-95577756-C-G.
Other names: c.2154G>C, p.Glu718Asp (NM_001195573.1, NM_001271282.3, NM_001291628.2 and 1 more transcripts); short protein forms E718D.
Identifiers: ClinVar variation 477090 (VCV000477090.14), dbSNP rs1555371628, ClinGen allele CA390882809.